The following is an entry in ClinVar:

NM_003906.5(MCM3AP):c.1443+1G>A

Gene: MCM3AP (minichromosome maintenance complex component 3 associated protein; minus strand). Cytogenetic location: 21q22.3.
Variant type: single nucleotide variant.
Coding change: c.1443+1G>A on transcript NM_003906.5 (MANE Select); the canonical splice donor site of the intron after coding-DNA position 1443, G replaced by A.
Molecular consequence: splice donor variant.
Genome position (GRCh38, 1-based): chr21:46,283,614, C>T on the plus strand (G>A on the coding strand, the complement: MCM3AP is on the minus strand). VCF-style: chr21-46283614-C-T. GRCh37 (hg19) VCF-style: chr21-47703528-C-T.
Identifiers: ClinVar variation 2869765 (VCV002869765.3), dbSNP rs1224983278, ClinGen allele CA410531075.

ClinVar aggregate classification (germline): Likely pathogenic (1 of 4 stars; one submission).

Allele frequency attached by ClinVar (database versions not stated): gnomAD exomes below 0.00001; TOPMed below 0.00001; gnomAD 0.00001.
gnomAD v4.1: 2 of 1,608,178 alleles (0.00012%); highest among the groups gnomAD compares: Non-Finnish European, 0.00017%; no homozygotes.

Submission:

Labcorp Genetics (formerly Invitae), Labcorp
Classification: Likely pathogenic. Last evaluated: 2024-11-21. Review status: criteria provided, single submitter. Criteria: Invitae Variant Classification Sherloc (09022015). Collection method: clinical testing. Allele origin: germline.
Comment: This sequence change affects a donor splice site in intron 2 of the MCM3AP gene. It is expected to disrupt RNA splicing. Variants that disrupt the donor or acceptor splice site typically lead to a loss of protein function (PMID: 16199547), and loss-of-function variants in MCM3AP are known to be pathogenic (PMID: 28633435). This variant is present in population databases (no rsID available, gnomAD 0.0009%). This variant has not been reported in the literature in individuals affected with MCM3AP-related conditions. ClinVar contains an entry for this variant (Variation ID: 2869765). Algorithms developed to predict the effect of sequence changes on RNA splicing suggest that this variant may disrupt the consensus splice site. In summary, the currently available evidence indicates that the variant is pathogenic, but additional data are needed to prove that conclusively. Therefore, this variant has been classified as Likely Pathogenic.

Literature cited by the submitters: PubMed 16199547; PubMed 28633435.